The following is an entry in ClinVar:

NM_003331.5(TYK2):c.639C>T (p.Asp213=)

Gene: TYK2 (tyrosine kinase 2; minus strand). Cytogenetic location: 19p13.2.
Variant type: single nucleotide variant.
Coding change: c.639C>T on transcript NM_003331.5 (MANE Select); coding-DNA position 639, C replaced by T.
Protein change: p.Asp213=; no amino-acid change (aspartic acid 213 retained).
Molecular consequence: synonymous variant.
Genome position (GRCh38, 1-based): chr19:10,365,889, G>A on the plus strand (C>T on the coding strand, the complement: TYK2 is on the minus strand). VCF-style: chr19-10365889-G-A. GRCh37 (hg19) VCF-style: chr19-10476565-G-A.
Other names: c.639C>T (LRG_121t1).
Identifiers: ClinVar variation 513488 (VCV000513488.10), dbSNP rs375654286, ClinGen allele CA9193662.

ClinVar aggregate classification (germline): Likely benign. Review status: criteria provided, multiple submitters, no conflicts (2 of 4 stars). 3 submissions from 3 submitters: Likely benign (3). Last evaluated 2025-09-06.

Conditions:
Immunodeficiency 35 (IMD35). Also called: TYK2 DEFICIENCY; HIES WITH ATYPICAL MYCOBACTERIOSIS, AUTOSOMAL RECESSIVE; HYPER-IgE SYNDROME WITH ATYPICAL MYCOBACTERIOSIS, AUTOSOMAL RECESSIVE; Susceptibility to infection due to TYK2 deficiency. Identifiers: Orphanet 331226, MedGen C1969086, MONDO:0012682, OMIM 611521.

Allele frequency attached by ClinVar (database versions not stated): gnomAD exomes 0.00002 and 0.00005; ExAC 0.00009; gnomAD 0.00013 and 0.00016; ESP Exome Variant Server 0.00016; TOPMed 0.00022.
gnomAD v4.1: 45 of 1,608,810 alleles (0.0028%); highest among the groups gnomAD compares: African/African-American, 0.043%; no homozygotes.

Submissions (3):

Labcorp Genetics (formerly Invitae), Labcorp
Classification: Likely benign for Immunodeficiency 35. Last evaluated: 2025-09-06. Review status: criteria provided, single submitter. Criteria: Invitae Variant Classification Sherloc (09022015). Collection method: clinical testing. Allele origin: germline.

Blueprint Genetics
Classification: Likely benign. Last evaluated: 2023-07-07. Review status: criteria provided, single submitter. Criteria: ACMG Guidelines, 2015. Collection method: clinical testing. Allele origin: germline.

GeneDx
Classification: Likely benign. Last evaluated: 2017-11-15. Review status: criteria provided, single submitter. Criteria: GeneDx Variant Classification (06012015). Collection method: clinical testing. Allele origin: germline. Affected: yes.
Comment: This variant is considered likely benign or benign based on one or more of the following criteria: it is a conservative change, it occurs at a poorly conserved position in the protein, it is predicted to be benign by multiple in silico algorithms, and/or has population frequency not consistent with disease.